The following is an entry in ClinVar:

NM_001384732.1(CPLANE1):c.2571C>A (p.Ile857=)

Gene: CPLANE1 (ciliogenesis and planar polarity effector complex subunit 1; minus strand). Cytogenetic location: 5p13.2.
Variant type: single nucleotide variant.
Coding change: c.2571C>A on transcript NM_001384732.1 (MANE Select); coding-DNA position 2571, C replaced by A.
Protein change: p.Ile857=; no amino-acid change (isoleucine 857 retained).
Molecular consequence: synonymous variant.
Genome position (GRCh38, 1-based): chr5:37,224,263, G>T on the plus strand (C>A on the coding strand, the complement: CPLANE1 is on the minus strand). VCF-style: chr5-37224263-G-T. GRCh37 (hg19) VCF-style: chr5-37224365-G-T.
Other names: c.2571C>A, p.Ile857= (NM_023073.4).
Identifiers: ClinVar variation 3346269 (VCV003346269.1).

ClinVar aggregate classification (germline): Likely benign (0 of 4 stars; one submission).

Conditions:
CPLANE1-related disorder. Also called: CPLANE1-related condition.

gnomAD v4.1: 9 of 1,546,472 alleles (0.00058%); highest among the groups gnomAD compares: Non-Finnish European, 0.00079%; no homozygotes.

Submission:

PreventionGenetics, part of Exact Sciences
Classification: Likely benign for CPLANE1-related condition. Last evaluated: 2024-06-26. Review status: no assertion criteria provided. Collection method: clinical testing. Allele origin: germline.
Comment: This variant is classified as likely benign based on ACMG/AMP sequence variant interpretation guidelines (Richards et al. 2015 PMID: 25741868, with internal and published modifications).